The following is an entry in ClinVar:

NM_000026.4(ADSL):c.809G>A (p.Arg270His)

Gene: ADSL (adenylosuccinate lyase; plus strand). Cytogenetic location: 22q13.1.
Variant type: single nucleotide variant.
Coding change: c.809G>A on transcript NM_000026.4 (MANE Select); coding-DNA position 809, G replaced by A.
Protein change: p.Arg270His; replaces arginine 270 with histidine.
Molecular consequence: missense variant. On other transcripts: non-coding transcript variant (1).
Genome position (GRCh38, 1-based): chr22:40,361,289, G>A. VCF-style: chr22-40361289-G-A. GRCh37 (hg19) VCF-style: chr22-40757293-G-A.
Other names: c.809G>A, p.Arg270His (NM_001123378.3, NM_001363840.3); c.617G>A, p.Arg206His (NM_001317923.2); short protein forms R270H, R206H.
Identifiers: ClinVar variation 953094 (VCV000953094.10), dbSNP rs760189192, ClinGen allele CA10247840.

ClinVar aggregate classification (germline): Uncertain significance (1 of 4 stars; one submission).

Conditions:
Adenylosuccinate lyase deficiency (ADSLD). Also called: ADSL DEFICIENCY. Identifiers: Orphanet 46, MedGen C0268126, MONDO:0007068, OMIM 103050.

Allele frequency attached by ClinVar (database versions not stated): gnomAD exomes below 0.00001 and 0.00001; TOPMed below 0.00001; ExAC 0.00002.
gnomAD v4.1: 6 of 1,614,100 alleles (0.00037%); highest among the groups gnomAD compares: South Asian, 0.0022%; no homozygotes.

Submission:

Labcorp Genetics (formerly Invitae), Labcorp
Classification: Uncertain significance for Adenylosuccinate lyase deficiency. Last evaluated: 2025-08-22. Review status: criteria provided, single submitter. Criteria: Invitae Variant Classification Sherloc (09022015). Collection method: clinical testing. Allele origin: germline.
Comment: This sequence change replaces arginine, which is basic and polar, with histidine, which is basic and polar, at codon 270 of the ADSL protein (p.Arg270His). This variant is present in population databases (rs760189192, gnomAD 0.006%). This variant has not been reported in the literature in individuals affected with ADSL-related conditions. ClinVar contains an entry for this variant (Variation ID: 953094). Invitae Evidence Modeling of protein sequence and biophysical properties (such as structural, functional, and spatial information, amino acid conservation, physicochemical variation, residue mobility, and thermodynamic stability) indicates that this missense variant is expected to disrupt ADSL protein function with a positive predictive value of 80%. In summary, the available evidence is currently insufficient to determine the role of this variant in disease. Therefore, it has been classified as a Variant of Uncertain Significance.